The following is an entry in ClinVar:

ClinVar aggregate classification (germline): Uncertain significance (1 of 4 stars; one submission).

Conditions:
Ataxia-telangiectasia syndrome (AT). Also called: Cerebello-oculocutaneous telangiectasia; Immunodeficiency with ataxia telangiectasia; Ataxia-telangiectasia, complementation group E; LOUIS-BAR SYNDROME; Ataxia telangiectasia (A-T); AT, COMPLEMENTATION GROUP C. Identifiers: Orphanet 100, MedGen C0004135, MONDO:0008840, OMIM 208900.

Submission:

Labcorp Genetics (formerly Invitae), Labcorp
Classification: Uncertain significance for Ataxia-telangiectasia syndrome. Last evaluated: 2023-12-02. Review status: criteria provided, single submitter. Criteria: Invitae Variant Classification Sherloc (09022015). Collection method: clinical testing. Allele origin: germline.
Comment: This sequence change replaces serine, which is neutral and polar, with leucine, which is neutral and non-polar, at codon 646 of the ATM protein (p.Ser646Leu). This variant is not present in population databases (gnomAD no frequency). This variant has not been reported in the literature in individuals affected with ATM-related conditions. Algorithms developed to predict the effect of missense changes on protein structure and function output the following: SIFT: "Not Available"; PolyPhen-2: "Benign"; Align-GVGD: "Not Available". The leucine amino acid residue is found in multiple mammalian species, which suggests that this missense change does not adversely affect protein function. In summary, the available evidence is currently insufficient to determine the role of this variant in disease. Therefore, it has been classified as a Variant of Uncertain Significance.

NM_000051.4(ATM):c.1937C>T (p.Ser646Leu)

Gene: ATM (ATM serine/threonine kinase; plus strand). Cytogenetic location: 11q22.3.
Variant type: single nucleotide variant.
Coding change: c.1937C>T on transcript NM_000051.4 (MANE Select); coding-DNA position 1937, C replaced by T.
Protein change: p.Ser646Leu; replaces serine 646 with leucine.
Molecular consequence: missense variant.
Genome position (GRCh38, 1-based): chr11:108,253,852, C>T. VCF-style: chr11-108253852-C-T. GRCh37 (hg19) VCF-style: chr11-108124579-C-T.
Other names: c.1937C>T, p.Ser646Leu (NM_001351834.2); short protein forms S646L.
Identifiers: ClinVar variation 2700473 (VCV002700473.3), dbSNP rs1591534005, ClinGen allele CA382536589.